The following is an entry in ClinVar:

NM_018699.4(PRDM5):c.770G>A (p.Arg257Gln)

Gene: PRDM5 (PR/SET domain 5; minus strand). Cytogenetic location: 4q27.
Variant type: single nucleotide variant.
Coding change: c.770G>A on transcript NM_018699.4 (MANE Select); coding-DNA position 770, G replaced by A.
Protein change: p.Arg257Gln; replaces arginine 257 with glutamine.
Molecular consequence: missense variant.
Genome position (GRCh38, 1-based): chr4:120,816,548, C>T on the plus strand (G>A on the coding strand, the complement: PRDM5 is on the minus strand). VCF-style: chr4-120816548-C-T. GRCh37 (hg19) VCF-style: chr4-121737703-C-T.
Other names: c.677G>A, p.Arg226Gln (NM_001300823.2, NM_001300824.2, NM_001379106.1); c.770G>A, p.Arg257Gln (NM_001379104.1); short protein forms R226Q, R257Q.
Identifiers: ClinVar variation 2184775 (VCV002184775.4), dbSNP rs756946467, ClinGen allele CA3061286.

ClinVar aggregate classification (germline): Uncertain significance (1 of 4 stars; one submission).

Allele frequency attached by ClinVar (database versions not stated): ExAC 0.00001.
gnomAD v4.1: 6 of 1,614,130 alleles (0.00037%); highest among the groups gnomAD compares: Admixed American, 0.0033%; no homozygotes.

Submission:

Labcorp Genetics (formerly Invitae), Labcorp
Classification: Uncertain significance. Last evaluated: 2022-03-11. Review status: criteria provided, single submitter. Criteria: Invitae Variant Classification Sherloc (09022015). Collection method: clinical testing. Allele origin: germline.
Comment: This sequence change replaces arginine, which is basic and polar, with glutamine, which is neutral and polar, at codon 257 of the PRDM5 protein (p.Arg257Gln). This variant is present in population databases (rs756946467, gnomAD 0.006%). This variant has not been reported in the literature in individuals affected with PRDM5-related conditions. Algorithms developed to predict the effect of missense changes on protein structure and function output the following: SIFT: "Deleterious"; PolyPhen-2: "Benign"; Align-GVGD: "Class C0". The glutamine amino acid residue is found in multiple mammalian species, which suggests that this missense change does not adversely affect protein function. In summary, the available evidence is currently insufficient to determine the role of this variant in disease. Therefore, it has been classified as a Variant of Uncertain Significance.